The following is an entry in ClinVar:

ClinVar aggregate classification (germline): Uncertain significance (1 of 4 stars; one submission).

gnomAD v4.1: 1 of 1,614,154 alleles (0.000062%); no homozygotes.

Submission:

GeneDx
Classification: Uncertain significance. Last evaluated: 2025-07-11. Review status: criteria provided, single submitter. Criteria: GeneDx Variant Classification Process June 2021. Collection method: clinical testing. Allele origin: germline. Affected: yes.
Comment: Not observed at significant frequency in large population cohorts (gnomAD); In silico analysis suggests that this missense variant does not alter protein structure/function; Has not been previously published as pathogenic or benign to our knowledge

NM_000069.3(CACNA1S):c.5500A>G (p.Lys1834Glu)

Gene: CACNA1S (calcium voltage-gated channel subunit alpha1 S; minus strand). Cytogenetic location: 1q32.1.
Variant type: single nucleotide variant.
Coding change: c.5500A>G on transcript NM_000069.3 (MANE Select); coding-DNA position 5500, A replaced by G.
Protein change: p.Lys1834Glu; replaces lysine 1834 with glutamic acid.
Molecular consequence: missense variant.
Genome position (GRCh38, 1-based): chr1:201,039,953, T>C on the plus strand (A>G on the coding strand, the complement: CACNA1S is on the minus strand). VCF-style: chr1-201039953-T-C. GRCh37 (hg19) VCF-style: chr1-201009081-T-C.
Other names: short protein forms K1834E.
Identifiers: ClinVar variation 4685051 (VCV004685051.1).